The following is an entry in ClinVar:

NM_003239.5(TGFB3):c.1081-26_1081-2dup

Gene: TGFB3 (transforming growth factor beta 3; minus strand). Cytogenetic location: 14q24.3.
Variant type: Duplication.
Coding change: c.1081-26_1081-2dup on transcript NM_003239.5 (MANE Select); 26 bases into the intron before coding-DNA position 1081 through the canonical splice acceptor site of the intron before coding-DNA position 1081, 25 bases duplicated (CCTCTCACTGACATGTCCCTTCCCA).
Molecular consequence: splice acceptor variant.
Genome position (GRCh38, 1-based): chr14:75,959,347-75,959,371, TGGGAAGGGACATGTCAGTGAGAGG duplicated on the plus strand (CCTCTCACTGACATGTCCCTTCCCA on the coding strand, the reverse complement: TGFB3 is on the minus strand); duplicating any 25 consecutive bases within chr14:75,959,347-75,959,372 gives the same sequence; the c. name uses the placement nearest the transcript's 3' end. VCF-style (leftmost placement, unchanged base first): chr14-75959346-C-CTGGGAAGGGACATGTCAGTGAGAGG. GRCh37 (hg19) VCF-style: chr14-76425689-C-CTGGGAAGGGACATGTCAGTGAGAGG.
Other names: c.1081-26_1081-2dup (NM_001329939.2).
Identifiers: ClinVar variation 5001669 (VCV005001669.1).

ClinVar aggregate classification (germline): Likely benign (1 of 4 stars; one submission).

Conditions:
TGFB3-related disorder. Also called: TGFB3-related condition.

Submission:

PreventionGenetics, part of Exact Sciences
Classification: Likely benign for TGFB3-related condition. Last evaluated: 2025-01-31. Review status: criteria provided, single submitter. Criteria: ACMG Guidelines, 2015. Collection method: clinical testing. Allele origin: germline.
Comment: This variant is classified as likely benign based on ACMG/AMP sequence variant interpretation guidelines (Richards et al. 2015 PMID: 25741868, with internal and published modifications).